The following is an entry in ClinVar:

ClinVar aggregate classification (germline): Uncertain significance. Review status: criteria provided, multiple submitters, no conflicts (2 of 4 stars). 2 submissions from 2 submitters: Uncertain significance (2). Last evaluated 2022-11-15.

Submissions (2):

GeneDx
Classification: Uncertain significance. Last evaluated: 2022-11-15. Review status: criteria provided, single submitter. Criteria: GeneDx Variant Classification Process June 2021. Collection method: clinical testing. Allele origin: germline. Affected: yes.
Comment: Not observed at significant frequency in large population cohorts (gnomAD); In silico analysis supports that this missense variant does not alter protein structure/function; Has not been previously published as pathogenic or benign to our knowledge

Labcorp Genetics (formerly Invitae), Labcorp
Classification: Uncertain significance. Last evaluated: 2022-08-23. Review status: criteria provided, single submitter. Criteria: Invitae Variant Classification Sherloc (09022015). Collection method: clinical testing. Allele origin: germline.
Comment: In summary, the available evidence is currently insufficient to determine the role of this variant in disease. Therefore, it has been classified as a Variant of Uncertain Significance. This sequence change replaces methionine, which is neutral and non-polar, with valine, which is neutral and non-polar, at codon 1861 of the HERC1 protein (p.Met1861Val). This variant is not present in population databases (gnomAD no frequency). This variant has not been reported in the literature in individuals affected with HERC1-related conditions. Algorithms developed to predict the effect of missense changes on protein structure and function are either unavailable or do not agree on the potential impact of this missense change (SIFT: "Deleterious"; PolyPhen-2: "Benign"; Align-GVGD: "Class C15").

NM_003922.4(HERC1):c.5581A>G (p.Met1861Val)

Gene: HERC1 (HECT and RLD domain containing E3 ubiquitin protein ligase family member 1; minus strand). Cytogenetic location: 15q22.31.
Variant type: single nucleotide variant.
Coding change: c.5581A>G on transcript NM_003922.4 (MANE Select); coding-DNA position 5581, A replaced by G.
Protein change: p.Met1861Val; replaces methionine 1861 with valine.
Molecular consequence: missense variant.
Genome position (GRCh38, 1-based): chr15:63,694,057, T>C on the plus strand (A>G on the coding strand, the complement: HERC1 is on the minus strand). VCF-style: chr15-63694057-T-C. GRCh37 (hg19) VCF-style: chr15-63986256-T-C.
Other names: c.5581A>G (NM_003922.3); short protein forms M1861V.
Identifiers: ClinVar variation 1970577 (VCV001970577.6), dbSNP rs2551490540, ClinGen allele CA392746761.